The following is an entry in ClinVar:

ClinVar aggregate classification (germline): Uncertain significance (1 of 4 stars; one submission).

Submission:

CeGaT Center for Human Genetics Tuebingen
Classification: Uncertain significance. Last evaluated: 2022-03-01. Review status: criteria provided, single submitter. Criteria: CeGaT Center For Human Genetics Tuebingen Variant Classification Criteria Version 2. Collection method: clinical testing. Allele origin: germline. Affected: yes. Observed: 1 variant allele.
Comment: CDK16: PM2, PP2

NM_006201.5(CDK16):c.361C>T (p.Pro121Ser)

Gene: CDK16 (cyclin dependent kinase 16; plus strand). Cytogenetic location: Xp11.3.
Variant type: single nucleotide variant.
Coding change: c.361C>T on transcript NM_006201.5 (MANE Select); coding-DNA position 361, C replaced by T.
Protein change: p.Pro121Ser; replaces proline 121 with serine.
Molecular consequence: missense variant.
Genome position (GRCh38, 1-based): chrX:47,224,642, C>T. VCF-style: chrX-47224642-C-T. GRCh37 (hg19) VCF-style: chrX-47084041-C-T.
Other names: c.583C>T, p.Pro195Ser (NM_001170460.2); c.379C>T, p.Pro127Ser (NM_033018.4); short protein forms P121S, P127S, P195S.
Identifiers: ClinVar variation 2660413 (VCV002660413.24), dbSNP rs2521803938, ClinGen allele CA412817110.